The following is an entry in ClinVar:

ClinVar aggregate classification (germline): Uncertain significance (1 of 4 stars; one submission).

Conditions:
Primary ciliary dyskinesia. Also called: Ciliary dyskinesia. Identifiers: Orphanet 244, MedGen C0008780, MONDO:0016575, HP:0012265.

gnomAD v4.1: 3 of 1,614,152 alleles (0.00019%); highest among the groups gnomAD compares: East Asian, 0.0022%; no homozygotes.

Submission:

Labcorp Genetics (formerly Invitae), Labcorp
Classification: Uncertain significance for Primary ciliary dyskinesia. Last evaluated: 2021-04-14. Review status: criteria provided, single submitter. Criteria: Invitae Variant Classification Sherloc (09022015). Collection method: clinical testing. Allele origin: germline.
Comment: This sequence change replaces methionine with valine at codon 263 of the DNAI1 protein (p.Met263Val). The methionine residue is weakly conserved and there is a small physicochemical difference between methionine and valine. This variant has not been reported in the literature in individuals with DNAI1-related conditions. This variant is not present in population databases (ExAC no frequency). In summary, the available evidence is currently insufficient to determine the role of this variant in disease. Therefore, it has been classified as a Variant of Uncertain Significance. Algorithms developed to predict the effect of sequence changes on RNA splicing suggest that this variant may create or strengthen a splice site, but this prediction has not been confirmed by published transcriptional studies. Algorithms developed to predict the effect of missense changes on protein structure and function (SIFT, PolyPhen-2, Align-GVGD) all suggest that this variant is likely to be tolerated, but these predictions have not been confirmed by published functional studies and their clinical significance is uncertain.

NM_012144.4(DNAI1):c.787A>G (p.Met263Val)

Gene: DNAI1 (dynein axonemal intermediate chain 1; plus strand). Cytogenetic location: 9p13.3.
Variant type: single nucleotide variant.
Coding change: c.787A>G on transcript NM_012144.4 (MANE Select); coding-DNA position 787, A replaced by G.
Protein change: p.Met263Val; replaces methionine 263 with valine.
Molecular consequence: missense variant.
Genome position (GRCh38, 1-based): chr9:34,493,299, A>G. VCF-style: chr9-34493299-A-G. GRCh37 (hg19) VCF-style: chr9-34493297-A-G.
Other names: c.799A>G, p.Met267Val (NM_001281428.2); short protein forms M263V, M267V.
Identifiers: ClinVar variation 1493370 (VCV001493370.8), dbSNP rs750194621, ClinGen allele CA373249384.
Genomic context (GRCh38, chr9:34,493,299, plus strand): 5'-AAGACCAAAGAGAAGGAGAAGGCAAAGACCCCAGTGGCTAAAAAATCAGGGAAGATGGCC[A>G]TGAGGAAGCTGACATCTATGGAGTCTCAGGTTTGGTGTTAGTTCCTACAGCTCTGCCACA-3'
Protein context (NP_036276.1, residues 253-273): PVAKKSGKMA[Met263Val]RKLTSMESQT